The following is an entry in ClinVar:

NM_000051.4(ATM):c.833T>C (p.Val278Ala)

Gene: ATM (ATM serine/threonine kinase; plus strand). Cytogenetic location: 11q22.3.
Variant type: single nucleotide variant.
Coding change: c.833T>C on transcript NM_000051.4 (MANE Select); coding-DNA position 833, T replaced by C.
Protein change: p.Val278Ala; replaces valine 278 with alanine.
Molecular consequence: missense variant.
Genome position (GRCh38, 1-based): chr11:108,244,958, T>C. VCF-style: chr11-108244958-T-C. GRCh37 (hg19) VCF-style: chr11-108115685-T-C.
Other names: c.833T>C, p.Val278Ala (NM_001351834.2); short protein forms V278A.
Identifiers: ClinVar variation 3965790 (VCV003965790.1).

ClinVar aggregate classification (germline): Uncertain significance (1 of 4 stars; one submission).

Conditions:
Hereditary cancer-predisposing syndrome. Also called: Tumor predisposition; Hereditary neoplastic syndrome; Hereditary Cancer Syndrome; Neoplastic Syndromes, Hereditary. Identifiers: Orphanet 140162, MedGen C0027672, MeSH D009386, MONDO:0015356.

Submission:

Ambry Genetics
Classification: Uncertain significance for Hereditary cancer-predisposing syndrome. Last evaluated: 2025-03-15. Review status: criteria provided, single submitter. Criteria: Ambry Variant Classification Scheme 2023. Collection method: clinical testing. Allele origin: germline.
Comment: The p.V278A variant (also known as c.833T>C), located in coding exon 6 of the ATM gene, results from a T to C substitution at nucleotide position 833. The valine at codon 278 is replaced by alanine, an amino acid with similar properties. This amino acid position is conserved. In addition, this alteration is predicted to be tolerated by in silico analysis. Based on the available evidence, the clinical significance of this variant remains unclear.